The following is an entry in ClinVar:

ClinVar aggregate classification (germline): Uncertain significance (1 of 4 stars; one submission).

Conditions:
Malignant hyperthermia, susceptibility to, 1 (MHS1). Also called: RYR1-Related Malignant Hyperthermia Susceptibility; Anesthesia related hyperthermia; Malignant hyperpyrexia; Fulminating hyperpyrexia; Pharmacogenic myopathy; Malignant hyperthermia suceptibility 1. Identifiers: Orphanet 423, MedGen C2930980, MONDO:0007783, OMIM 145600.

gnomAD v4.1: 2 of 1,586,078 alleles (0.00013%); highest among the groups gnomAD compares: East Asian, 0.0023%; no homozygotes.

Submission:

All of Us Research Program, National Institutes of Health
Classification: Uncertain significance for Malignant hyperthermia, susceptibility to, 1. Last evaluated: 2023-02-24. Review status: criteria provided, single submitter. Criteria: ACMG Guidelines, 2015. Collection method: clinical testing. Allele origin: germline. Inheritance: Autosomal dominant inheritance. Observed: 1 variant allele, 1 heterozygote.
Comment: This missense variant replaces threonine with isoleucine at codon 952 of the RYR1 protein. Computational prediction suggests that this variant may not impact protein structure and function (internally defined REVEL score threshold <= 0.5, PMID: 27666373). To our knowledge, functional studies have not been reported for this variant. This variant has not been reported in individuals affected with RYR1-related disorders in the literature. This variant has been identified in 1/203460 chromosomes in the general population by the Genome Aggregation Database (gnomAD). The available evidence is insufficient to determine the role of this variant in disease conclusively. Therefore, this variant is classified as a Variant of Uncertain Significance.

This study involves interpretation of variants in research participants for the purpose of population health screening. Participant phenotype was not available at the time of variant classification. Additional details can be found in publication PMID: 35346344, PMCID: PMC8962531

NM_000540.3(RYR1):c.2855C>T (p.Thr952Ile)

Gene: RYR1 (ryanodine receptor 1; plus strand). Cytogenetic location: 19q13.2.
Variant type: single nucleotide variant.
Coding change: c.2855C>T on transcript NM_000540.3 (MANE Select); coding-DNA position 2855, C replaced by T.
Protein change: p.Thr952Ile; replaces threonine 952 with isoleucine.
Molecular consequence: missense variant.
Genome position (GRCh38, 1-based): chr19:38,464,707, C>T. VCF-style: chr19-38464707-C-T. GRCh37 (hg19) VCF-style: chr19-38955347-C-T.
Other names: c.2855C>T, p.Thr952Ile (NM_001042723.2); short protein forms T952I.
Identifiers: ClinVar variation 3069705 (VCV003069705.1), dbSNP rs1249635777, ClinGen allele CA405633776.
Genomic context (GRCh38, chr19:38,464,707, plus strand): 5'-TGGCTCTGGGCTGCCACGTGGGCATGGCGGATGAGAAGGCGGAGGACAACCTGAAGAAGA[C>T]AAAACTCCCCAAGACGTGAGTGTGGGCAGCCAGGTCCCGTCTGGGGATGGACTGGGGGCT-3'
Protein context (NP_000531.2, residues 942-962): DEKAEDNLKK[Thr952Ile]KLPKTYMMSN